The following is an entry in ClinVar:

NM_003072.5(SMARCA4):c.2842G>T (p.Ala948Ser)

Gene: SMARCA4 (SWI/SNF related BAF chromatin remodeling complex subunit ATPase 4; plus strand). Cytogenetic location: 19p13.2.
Variant type: single nucleotide variant.
Coding change: c.2842G>T on transcript NM_003072.5 (MANE Select); coding-DNA position 2842, G replaced by T.
Protein change: p.Ala948Ser; replaces alanine 948 with serine.
Molecular consequence: missense variant. On other transcripts: non-coding transcript variant (1).
Genome position (GRCh38, 1-based): chr19:11,021,950, G>T. VCF-style: chr19-11021950-G-T. GRCh37 (hg19) VCF-style: chr19-11132626-G-T.
Other names: c.2842G>T, p.Ala948Ser (NM_001374457.1, NM_001387283.1, NM_001411150.1 and 6 more transcripts); short protein forms A948S.
Identifiers: ClinVar variation 4843577 (VCV004843577.1).
Genomic context (GRCh38, chr19:11,021,950, plus strand): 5'-CTGCTGCCCACCATCTTCAAGAGCTGCAGCACCTTCGAGCAGTGGTTTAACGCACCCTTT[G>T]CCATGACCGGGGAAAAGGTGGGTTTGCCCAGCTGTGCCCATGCTGACGGTTCCAGGTGCG-3'
Protein context (NP_003063.2, residues 938-958): TFEQWFNAPF[Ala948Ser]MTGEKVDLNE

ClinVar aggregate classification (germline): Uncertain significance (1 of 4 stars; one submission).

Conditions:
Hereditary cancer-predisposing syndrome. Also called: Neoplastic Syndromes, Hereditary; Tumor predisposition; Hereditary Cancer Syndrome; Hereditary neoplastic syndrome. Identifiers: Orphanet 140162, MedGen C0027672, MeSH D009386, MONDO:0015356.

Submission:

Ambry Genetics
Classification: Uncertain significance for Hereditary cancer-predisposing syndrome. Last evaluated: 2026-01-14. Review status: criteria provided, single submitter. Criteria: Ambry Variant Classification Scheme 2023. Collection method: clinical testing. Allele origin: germline.
Comment: The p.A948S variant (also known as c.2842G>T), located in coding exon 18 of the SMARCA4 gene, results from a G to T substitution at nucleotide position 2842. The alanine at codon 948 is replaced by serine, an amino acid with similar properties. This amino acid position is conserved. In addition, the in silico prediction for this alteration is inconclusive. Based on the available evidence, the clinical significance of this variant remains unclear.